The following is an entry in ClinVar:

NM_000336.3(SCNN1B):c.1706C>T (p.Ala569Val)

Gene: SCNN1B (sodium channel epithelial 1 subunit beta; plus strand). Cytogenetic location: 16p12.2.
Variant type: single nucleotide variant.
Coding change: c.1706C>T on transcript NM_000336.3 (MANE Select); coding-DNA position 1706, C replaced by T.
Protein change: p.Ala569Val; replaces alanine 569 with valine.
Molecular consequence: missense variant.
Genome position (GRCh38, 1-based): chr16:23,380,584, C>T. VCF-style: chr16-23380584-C-T. GRCh37 (hg19) VCF-style: chr16-23391905-C-T.
Other names: short protein forms A569V.
Identifiers: ClinVar variation 229239 (VCV000229239.22), dbSNP rs140927806, ClinGen allele CA7960616.

ClinVar aggregate classification (germline): Conflicting classifications of pathogenicity. Review status: criteria provided, conflicting classifications (1 of 4 stars). 9 submissions from 7 submitters: Uncertain significance (2); Benign (3); Likely benign (3). 1 of the submissions does not count toward it. Last evaluated 2026-01-27.

Conditions:
Pruritus, hereditary localized. Identifiers: MedGen C1867499, MONDO:0008321, OMIM 177100.
SCNN1B-related disorder. Also called: SCNN1B-related condition.
Liddle syndrome 1 (LIDLS1). Also called: PSEUDOALDOSTERONISM. Identifiers: Orphanet 526, MedGen CN031472, MONDO:0020607, OMIM 177200.
Pseudohypoaldosteronism, type IB1, autosomal recessive. Also called: Autosomal recessive pseudohypoaldosteronism type 1; Pseudohypoaldosteronism, Type I, Autosomal Recessive; PHA I, AUTOSOMAL RECESSIVE; Pseudohypoaldosteronism, Type I, Recessive. Identifiers: Orphanet 171876, Orphanet 756, MedGen C5774176, MONDO:0009917, OMIM 264350.
Bronchiectasis with or without elevated sweat chloride 1 (BESC1). Also called: Cystic Fibrosis-Like Syndrome. Identifiers: Orphanet 60033, MedGen C2749757, MONDO:0008887, OMIM 211400.

Allele frequency attached by ClinVar (database versions not stated): 1000 Genomes Project 30x 0.00031; 1000 Genomes Project 0.00040; gnomAD 0.00051 and 0.00059; gnomAD exomes 0.00054 and 0.00070; ESP Exome Variant Server 0.00062; TOPMed 0.00062; ExAC 0.00071.

Submissions (9):

Labcorp Genetics (formerly Invitae), Labcorp
Classification: Benign. Last evaluated: 2026-01-27. Review status: criteria provided, single submitter. Criteria: Invitae Variant Classification Sherloc (09022015). Collection method: clinical testing. Allele origin: germline.

Genomic Medicine Center of Excellence, King Faisal Specialist Hospital and Research Centre
Classification: Likely benign for Pruritus, hereditary localized. Last evaluated: 2025-07-30. Review status: criteria provided, single submitter. Criteria: ACMG Guidelines, 2015. Collection method: clinical testing. Allele origin: germline.

Blueprint Genetics
Classification: Likely benign. Last evaluated: 2024-10-21. Review status: criteria provided, single submitter. Criteria: ACMG Guidelines, 2015. Collection method: clinical testing. Allele origin: germline.

Johns Hopkins Genomics, Johns Hopkins University
Classification: Likely benign for Liddle syndrome 1. Last evaluated: 2019-12-20. Review status: criteria provided, single submitter. Criteria: ACMG Guidelines, 2015. Collection method: clinical testing. Allele origin: germline.

Illumina Laboratory Services, Illumina
Classification: Uncertain significance for Pseudohypoaldosteronism, type IB1, autosomal recessive. Last evaluated: 2018-01-13. Review status: criteria provided, single submitter. Criteria: ICSL Variant Classification Criteria 13 December 2019. Collection method: clinical testing. Allele origin: germline.

Illumina Laboratory Services, Illumina
Classification: Benign for Liddle syndrome 1. Last evaluated: 2018-01-13. Review status: criteria provided, single submitter. Criteria: ICSL Variant Classification Criteria 13 December 2019. Collection method: clinical testing. Allele origin: germline.
Comment: This variant was observed in the ICSL laboratory as part of a predisposition screen in an ostensibly healthy population. It had not been previously curated by ICSL or reported in the Human Gene Mutation Database (HGMD: prior to June 1st, 2018), and was therefore a candidate for classification through an automated scoring system. Utilizing variant allele frequency, disease prevalence and penetrance estimates, and inheritance mode, an automated score was calculated to assess if this variant is too frequent to cause the disease. Based on the score and internal cut-off values, a variant classified as benign is not then subjected to further curation. The score for this variant resulted in a classification of benign for this disease.

Illumina Laboratory Services, Illumina
Classification: Benign for Bronchiectasis with or without elevated sweat chloride 1. Last evaluated: 2018-01-13. Review status: criteria provided, single submitter. Criteria: ICSL Variant Classification Criteria 13 December 2019. Collection method: clinical testing. Allele origin: germline.
Comment: the same text as in the submission from Illumina Laboratory Services, Illumina above.

Laboratory for Molecular Medicine, Mass General Brigham Personalized Medicine
Classification: Uncertain significance. Last evaluated: 2017-03-20. Review status: criteria provided, single submitter. Criteria: LMM Criteria. Collection method: clinical testing. Allele origin: germline. Observed: 3 variant alleles.
Comment: This variant has been identified in 0.1% (69/6637 8) of European chromosomes by the Exome Aggregation Consortium (ExAC; dbSNP rs140927806). This variant has also been reported in ClinVar (Variant ID:229239). Computational prediction tools and conservation a nalysis do not provide strong support for or against an impact to the protein. I n summary, the clinical significance of the p.Ala569Val variant is uncertain.

PreventionGenetics, part of Exact Sciences
Classification: Likely benign for SCNN1B-related condition. Last evaluated: 2022-12-08. Review status: no assertion criteria provided. Collection method: clinical testing. Allele origin: germline. Not counted in ClinVar's aggregate classification.
Comment: This variant is classified as likely benign based on ACMG/AMP sequence variant interpretation guidelines (Richards et al. 2015 PMID: 25741868, with internal and published modifications).